The following is an entry in ClinVar:

NM_020297.4(ABCC9):c.1669A>G (p.Thr557Ala)

Gene: ABCC9 (ATP binding cassette subfamily C member 9; minus strand). Cytogenetic location: 12p12.1.
Variant type: single nucleotide variant.
Coding change: c.1669A>G on transcript NM_020297.4 (MANE Select); coding-DNA position 1669, A replaced by G.
Protein change: p.Thr557Ala; replaces threonine 557 with alanine.
Molecular consequence: missense variant.
Genome position (GRCh38, 1-based): chr12:21,894,165, T>C on the plus strand (A>G on the coding strand, the complement: ABCC9 is on the minus strand). VCF-style: chr12-21894165-T-C. GRCh37 (hg19) VCF-style: chr12-22047099-T-C.
Other names: c.1669A>G, p.Thr557Ala (NM_001377273.1, NM_005691.4); c.805A>G, p.Thr269Ala (NM_001377274.1); short protein forms T557A, T269A.
Identifiers: ClinVar variation 855034 (VCV000855034.9), dbSNP rs1947295704, ClinGen allele CA384137461.

ClinVar aggregate classification (germline): Uncertain significance (1 of 4 stars; one submission).

Conditions:
Dilated cardiomyopathy 1O (CMD1O). Also called: CARDIOMYOPATHY, DILATED, WITH VENTRICULAR TACHYCARDIA. Identifiers: Orphanet 154, MedGen C1837839, MONDO:0012062, OMIM 608569.

Submission:

Labcorp Genetics (formerly Invitae), Labcorp
Classification: Uncertain significance for Dilated cardiomyopathy 1O. Last evaluated: 2019-03-14. Review status: criteria provided, single submitter. Criteria: Invitae Variant Classification Sherloc (09022015). Collection method: clinical testing. Allele origin: germline.
Comment: This sequence change replaces threonine with alanine at codon 557 of the ABCC9 protein (p.Thr557Ala). The threonine residue is moderately conserved and there is a small physicochemical difference between threonine and alanine. This variant is not present in population databases (ExAC no frequency). This variant has not been reported in the literature in individuals with ABCC9-related conditions. Algorithms developed to predict the effect of missense changes on protein structure and function (SIFT, PolyPhen-2, Align-GVGD) all suggest that this variant is likely to be tolerated, but these predictions have not been confirmed by published functional studies and their clinical significance is uncertain. In summary, the available evidence is currently insufficient to determine the role of this variant in disease. Therefore, it has been classified as a Variant of Uncertain Significance.